The following is an entry in ClinVar:

NM_000329.3(RPE65):c.1302G>C (p.Ala434=)

Gene: RPE65 (retinoid isomerohydrolase RPE65; minus strand). Cytogenetic location: 1p31.3.
Variant type: single nucleotide variant.
Coding change: c.1302G>C on transcript NM_000329.3 (MANE Select); coding-DNA position 1302, G replaced by C.
Protein change: p.Ala434=; no amino-acid change (alanine 434 retained).
Molecular consequence: synonymous variant.
Genome position (GRCh38, 1-based): chr1:68,431,318, C>G on the plus strand (G>C on the coding strand, the complement: RPE65 is on the minus strand). VCF-style: chr1-68431318-C-G. GRCh37 (hg19) VCF-style: chr1-68897001-C-G.
Identifiers: ClinVar variation 98837 (VCV000098837.28), dbSNP rs62636301, ClinGen allele CA226502.

ClinVar aggregate classification (germline): Benign/Likely benign. Review status: criteria provided, multiple submitters, no conflicts (2 of 4 stars). 9 submissions from 8 submitters: Benign (3); Likely benign (2). 4 of the submissions do not count toward it. Last evaluated 2026-02-02.

Conditions:
Retinitis pigmentosa (RP). Identifiers: Orphanet 791, MedGen C0035334, MeSH D012174, MONDO:0019200, OMIM 268000. Inheritance: Autosomal dominant, autosomal recessive and X linked inheritance.
Leber congenital amaurosis 2 (LCA2). Also called: AMAUROSIS CONGENITA OF LEBER II; Autosomal Recessive RPE65-Related Retinal Degeneration. Identifiers: Orphanet 65, MedGen C1859844, MONDO:0008765, OMIM 204100. Disease mechanism: loss of function.
Retinitis pigmentosa 20 (RP20). Identifiers: Orphanet 791, MedGen C3151086, MONDO:0013425, OMIM 613794.

Allele frequency attached by ClinVar (database versions not stated): TOPMed 0.00836; 1000 Genomes Project 0.00919; 1000 Genomes Project 30x 0.00999.
gnomAD v4.1: 2,487 of 1,613,908 alleles (0.15%); highest among the groups gnomAD compares: African/African-American, 2.7%; 34 homozygotes.

Submissions (9):

Labcorp Genetics (formerly Invitae), Labcorp
Classification: Benign for Leber congenital amaurosis 2; Retinitis pigmentosa 20. Last evaluated: 2026-02-02. Review status: criteria provided, single submitter. Criteria: Invitae Variant Classification Sherloc (09022015). Collection method: clinical testing. Allele origin: germline.

Blueprint Genetics
Classification: Benign. Last evaluated: 2024-11-11. Review status: criteria provided, single submitter. Criteria: ACMG Guidelines, 2015. Collection method: clinical testing. Allele origin: germline.

ARUP Laboratories, Molecular Genetics and Genomics, ARUP Laboratories
Classification: Benign. Last evaluated: 2019-10-21. Review status: criteria provided, single submitter. Criteria: ARUP Molecular Germline Variant Investigation Process. Collection method: clinical testing. Allele origin: germline.

Illumina Laboratory Services, Illumina
Classification: Likely benign for Retinitis pigmentosa. Last evaluated: 2018-01-13. Review status: criteria provided, single submitter. Criteria: ICSL Variant Classification Criteria 13 December 2019. Collection method: clinical testing. Allele origin: germline.
Comment: This variant was observed in the ICSL laboratory as part of a predisposition screen in an ostensibly healthy population. It had not been previously curated by ICSL or reported in the Human Gene Mutation Database (HGMD: prior to June 1st, 2018), and was therefore a candidate for classification through an automated scoring system. Utilizing variant allele frequency, disease prevalence and penetrance estimates, and inheritance mode, an automated score was calculated to assess if this variant is too frequent to cause the disease. Based on the score and internal cut-off values, a variant classified as likely benign is not then subjected to further curation. The score for this variant resulted in a classification of likely benign for this disease.

Illumina Laboratory Services, Illumina
Classification: Likely benign for Leber congenital amaurosis 2. Last evaluated: 2018-01-13. Review status: criteria provided, single submitter. Criteria: ICSL Variant Classification Criteria 13 December 2019. Collection method: clinical testing. Allele origin: germline.
Comment: the same text as in the submission from Illumina Laboratory Services, Illumina above.

Counsyl
Classification: Likely benign for Leber congenital amaurosis 2; Retinitis pigmentosa 20. Last evaluated: 2017-03-06. Review status: no assertion criteria provided. Collection method: clinical testing. Allele origin: unknown. Not counted in ClinVar's aggregate classification.

Clinical Genetics DNA and cytogenetics Diagnostics Lab, Erasmus MC, Erasmus Medical Center
Classification: Likely benign. Review status: no assertion criteria provided. Collection method: clinical testing. Allele origin: germline. Affected: yes. Study: VKGL Data-share Consensus. Not counted in ClinVar's aggregate classification.

Clinical Genetics, Academic Medical Center
Classification: Benign. Review status: no assertion criteria provided. Collection method: clinical testing. Allele origin: germline. Affected: yes. Study: VKGL Data-share Consensus. Not counted in ClinVar's aggregate classification.

Retina International
No classification provided. Review status: no classification provided. Collection method: not provided. Allele origin: unknown. Not counted in ClinVar's aggregate classification.

Literature cited by the submitters: PubMed 9501220 (cited by Counsyl).